The following is an entry in ClinVar:

NM_020461.4(TUBGCP6):c.1983+4C>T

Gene: TUBGCP6 (tubulin gamma complex component 6; minus strand). Cytogenetic location: 22q13.33.
Variant type: single nucleotide variant.
Coding change: c.1983+4C>T on transcript NM_020461.4 (MANE Select); 4 bases into the intron after coding-DNA position 1983, C replaced by T.
Molecular consequence: intron variant.
Genome position (GRCh38, 1-based): chr22:50,225,790, G>A on the plus strand (C>T on the coding strand, the complement: TUBGCP6 is on the minus strand). VCF-style: chr22-50225790-G-A. GRCh37 (hg19) VCF-style: chr22-50664219-G-A.
Identifiers: ClinVar variation 861534 (VCV000861534.10), dbSNP rs749151104, ClinGen allele CA10308432.

ClinVar aggregate classification (germline): Conflicting classifications of pathogenicity. Review status: criteria provided, conflicting classifications (1 of 4 stars). 4 submissions from 4 submitters: Uncertain significance (3); Likely benign (1). Last evaluated 2026-05-27.

Conditions:
Microcephaly and chorioretinopathy 1. Also called: Microcephaly and chorioretinopathy, autosomal recessive, 1. Identifiers: MedGen C3278481, MONDO:0009624, OMIM 251270.

Allele frequency attached by ClinVar (database versions not stated): gnomAD exomes 0.00002; ExAC 0.00003; gnomAD 0.00003 and 0.00004; TOPMed 0.00005.
gnomAD v4.1: 67 of 1,610,138 alleles (0.0042%); highest among the groups gnomAD compares: Middle Eastern, 0.017%; no homozygotes.

Submissions (4):

Women's Health and Genetics/Laboratory Corporation of America, LabCorp
Classification: Uncertain significance. Last evaluated: 2026-05-27. Review status: criteria provided, single submitter. Criteria: LabCorp Variant Classification Summary - May 2015. Collection method: clinical testing. Allele origin: germline.
Comment: Variant summary: TUBGCP6 c.1983+4C>T alters a nucleotide located close to a canonical splice site and therefore could affect mRNA splicing, leading to a significantly altered protein sequence. Several computational tools predict a significant impact on normal splicing: Three predict the variant weakens the canonical 5' donor site. Two predict the variant no significant impact on splicing. However, these predictions have yet to be confirmed by functional studies. The variant allele was found at a frequency of 2.4e-05 in 247992 control chromosomes. The available data on variant occurrences in the general population are insufficient to allow any conclusion about variant significance. To our knowledge, no occurrence of c.1983+4C>T in individuals affected with TUBGCP6-related conditions and no experimental evidence demonstrating its impact on protein function have been reported. ClinVar contains an entry for this variant (Variation ID: 861534). Based on the evidence outlined above, the variant was classified as uncertain significance.

Labcorp Genetics (formerly Invitae), Labcorp
Classification: Uncertain significance. Last evaluated: 2025-11-15. Review status: criteria provided, single submitter. Criteria: Invitae Variant Classification Sherloc (09022015). Collection method: clinical testing. Allele origin: germline.
Comment: This sequence change falls in intron 10 of the TUBGCP6 gene. It does not directly change the encoded amino acid sequence of the TUBGCP6 protein. It affects a nucleotide within the consensus splice site. This variant is present in population databases (rs749151104, gnomAD 0.02%). This variant has not been reported in the literature in individuals affected with TUBGCP6-related conditions. ClinVar contains an entry for this variant (Variation ID: 861534). Variants that disrupt the consensus splice site are a relatively common cause of aberrant splicing (PMID: 17576681, 9536098). Algorithms developed to predict the effect of sequence changes on RNA splicing suggest that this variant is not likely to affect RNA splicing. In summary, the available evidence is currently insufficient to determine the role of this variant in disease. Therefore, it has been classified as a Variant of Uncertain Significance.

Blueprint Genetics
Classification: Likely benign. Last evaluated: 2024-11-06. Review status: criteria provided, single submitter. Criteria: ACMG Guidelines, 2015. Collection method: clinical testing. Allele origin: germline.

Victorian Clinical Genetics Services, Murdoch Childrens Research Institute
Classification: Uncertain significance for Microcephaly and chorioretinopathy 1. Last evaluated: 2021-05-06. Review status: criteria provided, single submitter. Criteria: ACMG Guidelines, 2015. Collection method: clinical testing. Allele origin: germline. Inheritance: Autosomal recessive inheritance.
Comment: Based on the classification scheme VCGS_Germline_v1.3.4, this variant is classified as VUS-3C. Following criteria are met: 0102 - Loss of function is a known mechanism of disease in this gene and is associated with Microcephaly and chorioretinopathy 1 (MIM#251270). (I) 0106 - This gene is associated with autosomal recessive disease. (I) 0212 - Non-canonical splice site variant without proven consequence on splicing (no functional evidence available). (SP) 0251 - This variant is heterozygous. (I) 0304 - Variant is present in gnomAD (v2) <0.01 for a recessive condition (9 heterozygotes, 0 homozygotes). (SP) 0506 - Abnormal splicing is not predicted and nucleotide is poorly conserved. (SB) 0705 - No comparable non-canonical splice site variants have previous evidence for pathogenicity. (I) 0809 - Previous evidence of pathogenicity for this variant is inconclusive. This variant has been reported as VUS in one individual (ClinVar). (I) 0905 - No published segregation evidence has been identified for this variant. (I) 1007 - No published functional evidence has been identified for this variant. (I) 1208 - Inheritance information for this variant is not currently available in this individual. (I) Legend: (SP) - Supporting pathogenic, (I) - Information, (SB) - Supporting benign

Literature cited by the submitters: PubMed 17576681 (cited by Labcorp Genetics (formerly Invitae), Labcorp); PubMed 9536098 (cited by Labcorp Genetics (formerly Invitae), Labcorp).